The following is an entry in ClinVar:

ClinVar aggregate classification (germline): Uncertain significance (1 of 4 stars; one submission).

Conditions:
Hereditary cancer-predisposing syndrome. Also called: Hereditary Cancer Syndrome; Hereditary neoplastic syndrome; Tumor predisposition; Neoplastic Syndromes, Hereditary. Identifiers: Orphanet 140162, MedGen C0027672, MeSH D009386, MONDO:0015356.

Submission:

Ambry Genetics
Classification: Uncertain significance for Hereditary cancer-predisposing syndrome. Last evaluated: 2021-03-24. Review status: criteria provided, single submitter. Criteria: Ambry Variant Classification Scheme 2023. Collection method: clinical testing. Allele origin: germline.
Comment: The p.A754P variant (also known as c.2260G>C), located in coding exon 9 of the AXIN2 gene, results from a G to C substitution at nucleotide position 2260. The alanine at codon 754 is replaced by proline, an amino acid with highly similar properties. This amino acid position is well conserved in available vertebrate species. In addition, this alteration is predicted to be tolerated by in silico analysis. Since supporting evidence is limited at this time, the clinical significance of this alteration remains unclear.

NM_004655.4(AXIN2):c.2260G>C (p.Ala754Pro)

Gene: AXIN2 (axin 2; minus strand). Cytogenetic location: 17q24.1.
Variant type: single nucleotide variant.
Coding change: c.2260G>C on transcript NM_004655.4 (MANE Select); coding-DNA position 2260, G replaced by C.
Protein change: p.Ala754Pro; replaces alanine 754 with proline.
Molecular consequence: missense variant.
Genome position (GRCh38, 1-based): chr17:65,534,057, C>G on the plus strand (G>C on the coding strand, the complement: AXIN2 is on the minus strand). VCF-style: chr17-65534057-C-G. GRCh37 (hg19) VCF-style: chr17-63530175-C-G.
Other names: c.2065G>C, p.Ala689Pro (NM_001363813.1); short protein forms A754P, A689P.
Identifiers: ClinVar variation 1788631 (VCV001788631.2), dbSNP rs2144420206, ClinGen allele CA400675633.